The following is an entry in ClinVar:

NM_002335.4(LRP5):c.3796T>C (p.Cys1266Arg)

Gene: LRP5 (LDL receptor related protein 5; plus strand). Cytogenetic location: 11q13.2.
Variant type: single nucleotide variant.
Coding change: c.3796T>C on transcript NM_002335.4 (MANE Select); coding-DNA position 3796, T replaced by C.
Protein change: p.Cys1266Arg; replaces cysteine 1266 with arginine.
Molecular consequence: missense variant.
Genome position (GRCh38, 1-based): chr11:68,433,634, T>C. VCF-style: chr11-68433634-T-C. GRCh37 (hg19) VCF-style: chr11-68201102-T-C.
Other names: c.2053T>C, p.Cys685Arg (NM_001291902.2); short protein forms C1266R, C685R.
Identifiers: ClinVar variation 3364027 (VCV003364027.1).

ClinVar aggregate classification (germline): Uncertain significance (1 of 4 stars; one submission).

Submission:

GeneDx
Classification: Uncertain significance. Last evaluated: 2023-11-16. Review status: criteria provided, single submitter. Criteria: GeneDx Variant Classification Process June 2021. Collection method: clinical testing. Allele origin: germline. Affected: yes.
Comment: Not observed at significant frequency in large population cohorts (gnomAD); In silico analysis supports that this missense variant has a deleterious effect on protein structure/function; Has not been previously published as pathogenic or benign to our knowledge